The following is an entry in ClinVar:

ClinVar aggregate classification (germline): Uncertain significance. Review status: criteria provided, multiple submitters, no conflicts (2 of 4 stars). 4 submissions from 4 submitters: Uncertain significance (3). 1 of the submissions does not count toward it. Last evaluated 2025-11-21.

Conditions:
Cardiovascular phenotype. Identifiers: MedGen CN230736.
Duchenne muscular dystrophy (DMD). Also called: MUSCULAR DYSTROPHY, PSEUDOHYPERTROPHIC PROGRESSIVE, DUCHENNE TYPE; Duchenne Muscular Dystrophy (DMD). Identifiers: Orphanet 98896, MedGen C0013264, MONDO:0010679, OMIM 310200.
Dystrophin deficiency.
Becker muscular dystrophy (BMD). Also called: MUSCULAR DYSTROPHY, PSEUDOHYPERTROPHIC PROGRESSIVE, BECKER TYPE; Becker Muscular Dystrophy (BMD). Identifiers: Orphanet 98895, MedGen C0917713, MONDO:0010311, OMIM 300376.
Cardiomyopathy (CMYO). Also called: Cardiomyopathies. Identifiers: Orphanet 167848, MedGen C0878544, MONDO:0004994, HP:0001638. Inheritance: Various modes of inheritance.

Allele frequency attached by ClinVar (database versions not stated): ExAC below 0.00001; TOPMed below 0.00001; gnomAD exomes 0.00001.
gnomAD v4.1: 6 of 1,207,552 alleles (0.0005%); highest among the groups gnomAD compares: Non-Finnish European, 0.00067%; no homozygotes.

Submissions (4):

Labcorp Genetics (formerly Invitae), Labcorp
Classification: Uncertain significance for Duchenne muscular dystrophy. Last evaluated: 2025-11-21. Review status: criteria provided, single submitter. Criteria: Invitae Variant Classification Sherloc (09022015). Collection method: clinical testing. Allele origin: germline.
Comment: This sequence change replaces cysteine, which is neutral and slightly polar, with arginine, which is basic and polar, at codon 1142 of the DMD protein (p.Cys1142Arg). This variant is not present in population databases (gnomAD no frequency). This variant has not been reported in the literature in individuals affected with DMD-related conditions. ClinVar contains an entry for this variant (Variation ID: 956710). Invitae Evidence Modeling of protein sequence and biophysical properties (such as structural, functional, and spatial information, amino acid conservation, physicochemical variation, residue mobility, and thermodynamic stability) indicates that this missense variant is not expected to disrupt DMD protein function with a negative predictive value of 95%. In summary, the available evidence is currently insufficient to determine the role of this variant in disease. Therefore, it has been classified as a Variant of Uncertain Significance.

Ambry Genetics
Classification: Uncertain significance for Cardiovascular phenotype. Last evaluated: 2024-08-19. Review status: criteria provided, single submitter. Criteria: Ambry Variant Classification Scheme 2023. Collection method: clinical testing. Allele origin: germline.
Comment: The p.C1142R variant (also known as c.3424T>C), located in coding exon 25 of the DMD gene, results from a T to C substitution at nucleotide position 3424. The cysteine at codon 1142 is replaced by arginine, an amino acid with highly dissimilar properties. This amino acid position is highly conserved in available vertebrate species. In addition, the in silico prediction for this alteration is inconclusive. Based on the available evidence, the clinical significance of this variant remains unclear.

Mayo Clinic Laboratories, Mayo Clinic
Classification: Uncertain significance. Last evaluated: 2020-10-15. Review status: criteria provided, single submitter. Criteria: ACMG Guidelines, 2015. Collection method: clinical testing. Allele origin: germline. Observed: 1 variant allele.

Natera, Inc.
Classification: Uncertain significance for Becker muscular dystrophy; Cardiomyopathy; Duchenne muscular dystrophy; Dystrophin deficiency. Last evaluated: 2019-07-08. Review status: no assertion criteria provided. Collection method: clinical testing. Allele origin: germline. Not counted in ClinVar's aggregate classification.

NM_004006.3(DMD):c.3424T>C (p.Cys1142Arg)

Gene: DMD (dystrophin; minus strand). Cytogenetic location: Xp21.1.
Variant type: single nucleotide variant.
Coding change: c.3424T>C on transcript NM_004006.3 (MANE Select); coding-DNA position 3424, T replaced by C.
Protein change: p.Cys1142Arg; replaces cysteine 1142 with arginine.
Molecular consequence: missense variant.
Genome position (GRCh38, 1-based): chrX:32,463,447, A>G on the plus strand (T>C on the coding strand, the complement: DMD is on the minus strand). VCF-style: chrX-32463447-A-G. GRCh37 (hg19) VCF-style: chrX-32481564-A-G.
Other names: c.3400T>C, p.Cys1134Arg (NM_000109.4); c.3412T>C, p.Cys1138Arg (NM_004009.3); c.3055T>C, p.Cys1019Arg (NM_004010.3); short protein forms C1019R, C1138R, C1134R, C1142R.
Identifiers: ClinVar variation 956710 (VCV000956710.15), dbSNP rs772957337, ClinGen allele CA10379289.